The following is an entry in ClinVar:

ClinVar aggregate classification (germline): Uncertain significance. Review status: criteria provided, multiple submitters, no conflicts (2 of 4 stars). 4 submissions from 4 submitters: Uncertain significance (4). Last evaluated 2025-02-27.

Conditions:
Dilated cardiomyopathy 1AA (CMD1AA). Also called: CARDIOMYOPATHY, DILATED, 1AA, WITH OR WITHOUT LEFT VENTRICULAR NONCOMPACTION; CARDIOMYOPATHY, FAMILIAL HYPERTROPHIC, 23, WITH OR WITHOUT LEFT VENTRICULAR NONCOMPACTION; Cardiomyopathy, dilated, 1AA, with or without LVNC. Identifiers: Orphanet 154, MedGen C2677338, MONDO:0012808, OMIM 612158.
Primary familial hypertrophic cardiomyopathy (HCM). Identifiers: Orphanet 99739, MedGen C0949658, MeSH D024741, MONDO:0024573. Inheritance: Various modes of inheritance.

Allele frequency attached by ClinVar (database versions not stated): gnomAD exomes below 0.00001.
gnomAD v4.1: 6 of 1,614,192 alleles (0.00037%); highest among the groups gnomAD compares: Middle Eastern, 0.016%; no homozygotes.

Submissions (4):

Labcorp Genetics (formerly Invitae), Labcorp
Classification: Uncertain significance for Primary familial hypertrophic cardiomyopathy; Dilated cardiomyopathy 1AA. Last evaluated: 2025-02-27. Review status: criteria provided, single submitter. Criteria: Invitae Variant Classification Sherloc (09022015). Collection method: clinical testing. Allele origin: germline.
Comment: This sequence change falls in intron 10 of the ACTN2 gene. It does not directly change the encoded amino acid sequence of the ACTN2 protein. This variant is not present in population databases (gnomAD no frequency). This variant has not been reported in the literature in individuals affected with ACTN2-related conditions. ClinVar contains an entry for this variant (Variation ID: 43896). Algorithms developed to predict the effect of sequence changes on RNA splicing suggest that this variant may disrupt the consensus splice site. In summary, the available evidence is currently insufficient to determine the role of this variant in disease. Therefore, it has been classified as a Variant of Uncertain Significance.

Blueprint Genetics
Classification: Uncertain significance. Last evaluated: 2022-10-06. Review status: criteria provided, single submitter. Criteria: ACMG Guidelines, 2015. Collection method: clinical testing. Allele origin: germline.

GeneDx
Classification: Uncertain significance. Last evaluated: 2019-04-22. Review status: criteria provided, single submitter. Criteria: GeneDx Variant Classification Process June 2021. Collection method: clinical testing. Allele origin: germline. Affected: yes.
Comment: Not observed in large population cohorts (Lek et al., 2016); Has not been previously published as pathogenic or benign to our knowledge; In-silico analysis, which includes splice predictors and evolutionary conservation, is inconclusive as to whether the variant alters gene splicing; in the absence of RNA/functional studies, the actual effect of this sequence change is unknown

Laboratory for Molecular Medicine, Mass General Brigham Personalized Medicine
Classification: Uncertain significance. Last evaluated: 2013-01-04. Review status: criteria provided, single submitter. Criteria: LMM Criteria. Collection method: clinical testing. Allele origin: germline. Observed: 1 variant allele.
Comment: The 1108-10A>G variant in ACTN2 has not been reported in the literature nor prev iously identified by our laboratory. This variant has also not been identified i n large and broad European American and African American populations by the NHLB I Exome Sequencing Project. A presence in oth er populations cannot be excluded. This variant is located in the 3' splice regi on. Computational tools do suggest an impact to splicing but their accuracy is u nknown. Additional information is needed to fully assess the clinical significan ce of the 1108-10A>G variant.

NM_001103.4(ACTN2):c.1108-10A>G

Gene: ACTN2 (actinin alpha 2; plus strand). Cytogenetic location: 1q43.
Variant type: single nucleotide variant.
Coding change: c.1108-10A>G on transcript NM_001103.4 (MANE Select); 10 bases into the intron before coding-DNA position 1108, A replaced by G.
Molecular consequence: intron variant.
Genome position (GRCh38, 1-based): chr1:236,742,886, A>G. VCF-style: chr1-236742886-A-G. GRCh37 (hg19) VCF-style: chr1-236906186-A-G.
Other names: c.484-10A>G (NM_001278344.2); c.1108-10A>G (NM_001278343.2).
Identifiers: ClinVar variation 43896 (VCV000043896.13), dbSNP rs397516564, ClinGen allele CA133113.
Genomic context (GRCh38, chr1:236,742,886, plus strand): 5'-GCCTGAGAGGCCAGAATGTAACGAAGGTGCTTGTTACACATTTGCTTCCCTTGGCTTCCA[A>G]CCATCCCAGGATATTGCTGGTGCCTGGCAGAGGCTGGAGCAGGCTGAGAAGGGTTACGAG-3'